The following is an entry in ClinVar:

NM_000064.4(C3):c.3344A>C (p.Asp1115Ala)

Gene: C3 (complement C3; minus strand). Cytogenetic location: 19p13.3.
Variant type: single nucleotide variant.
Coding change: c.3344A>C on transcript NM_000064.4 (MANE Select); coding-DNA position 3344, A replaced by C.
Protein change: p.Asp1115Ala; replaces aspartic acid 1115 with alanine.
Molecular consequence: missense variant.
Genome position (GRCh38, 1-based): chr19:6,692,970, T>G on the plus strand (A>C on the coding strand, the complement: C3 is on the minus strand). VCF-style: chr19-6692970-T-G. GRCh37 (hg19) VCF-style: chr19-6692981-T-G.
Other names: short protein forms D1115A.
Identifiers: ClinVar variation 4280203 (VCV004280203.1).

ClinVar aggregate classification (germline): Uncertain significance (1 of 4 stars; one submission).

Conditions:
Complement component 3 deficiency. Identifiers: Orphanet 280133, MedGen C3151071, MONDO:0013417, OMIM 613779.
C3 glomerulonephritis. Also called: Nephropathy due to CFHR5 Deficiency; C3 GLOMERULOPATHY 3. Identifiers: Orphanet 329931, MedGen C4055342, MONDO:0013892, OMIM 614809.
Atypical hemolytic-uremic syndrome. Identifiers: Orphanet 2134, MedGen C2931788, MONDO:0016244.

Submission:

Genomenon, Inc
Classification: Uncertain significance for Complement component 3 deficiency; C3 glomerulonephritis; Atypical hemolytic-uremic syndrome. Last evaluated: 2025-09-30. Review status: criteria provided, single submitter. Criteria: Genomenon Sequence Variant Interpretation Standards. Collection method: curation. Allele origin: germline. Affected: no.
Comment: C3 p.Asp1115Ala (c.3344A>C) is a missense variant that changes the amino acid at residue 1115 from Aspartic acid to Alanine. This variant has been reported in the published literature (PMID:27814381;21285368;21317894;20951140;20083651). It is absent or not present at a significant frequency in gnomAD. In conclusion, we classify C3 p.Asp1115Ala (c.3344A>C) as a variant of unknown significance.

Literature cited by the submitters: PubMed 27814381; PubMed 21285368; PubMed 21317894; PubMed 20951140; PubMed 20083651.